The following is an entry in ClinVar:

NM_000218.3(KCNQ1):c.1514+37403C>G

Genes: KCNQ1 (potassium voltage-gated channel subfamily Q member 1; plus strand), KCNQ1OT1 (KCNQ1 opposite strand/antisense transcript 1; minus strand). Cytogenetic location: 11p15.5.
Variant type: single nucleotide variant.
Coding change: c.1514+37403C>G on transcript NM_000218.3 (MANE Select); 37403 bases into the intron after coding-DNA position 1514, C replaced by G.
Molecular consequence: intron variant. On other transcripts: non-coding transcript variant (1).
Genome position (GRCh38, 1-based): chr11:2,699,484, C>G. VCF-style: chr11-2699484-C-G. GRCh37 (hg19) VCF-style: chr11-2720714-C-G.
Other names: c.1244+37403C>G (NM_001406837.1); c.1418+37403C>G (NM_001406836.1); c.974+37403C>G (NM_001406838.1); c.1133+37403C>G (NM_181798.2).
Identifiers: ClinVar variation 2641501 (VCV002641501.24), dbSNP rs1000990816, ClinGen allele CA216198290.

ClinVar aggregate classification (germline): Likely benign (1 of 4 stars; one submission).

Allele frequency attached by ClinVar (database versions not stated): gnomAD 0.00124; gnomAD exomes 0.00176.
gnomAD v4.1: 574 of 370,972 alleles (0.15%); highest among the groups gnomAD compares: Non-Finnish European, 0.14%; 1 homozygote.

Submission:

CeGaT Center for Human Genetics Tuebingen
Classification: Likely benign. Last evaluated: 2025-04-01. Review status: criteria provided, single submitter. Criteria: CeGaT Center For Human Genetics Tuebingen Variant Classification Criteria Version 2. Collection method: clinical testing. Allele origin: germline. Affected: yes. Observed: 4 variant alleles.
Comment: KCNQ1OT1: BS1